The following is an entry in ClinVar:

NM_004187.5(KDM5C):c.145C>T (p.Pro49Ser)

Gene: KDM5C (lysine demethylase 5C; minus strand). Cytogenetic location: Xp11.22.
Variant type: single nucleotide variant.
Coding change: c.145C>T on transcript NM_004187.5 (MANE Select); coding-DNA position 145, C replaced by T.
Protein change: p.Pro49Ser; replaces proline 49 with serine.
Molecular consequence: missense variant. On other transcripts: non-coding transcript variant (3).
Genome position (GRCh38, 1-based): chrX:53,224,745, G>A on the plus strand (C>T on the coding strand, the complement: KDM5C is on the minus strand). VCF-style: chrX-53224745-G-A. GRCh37 (hg19) VCF-style: chrX-53253927-G-A.
Other names: c.145C>T, p.Pro49Ser (NM_001146702.2, NM_001282622.3, NM_001353978.3 and 4 more transcripts); short protein forms P49S.
Identifiers: ClinVar variation 452419 (VCV000452419.2), dbSNP rs1556856112, ClinGen allele CA413133924.
Genomic context (GRCh38, chrX:53,224,745, plus strand): 5'-TATCCTACTGCTTCATTCCGTCTCGCCGCCGGCGAAAACCGGCCCCGGGGCTTACCGCGG[G>A]TGGGCGGATCTTGCAAATGCCCGATTTCTCTGCGATGGGCCTGATTTTCGCGATGTAGCC-3'
Protein context (NP_004178.2, residues 39-59): EKSGICKIRP[Pro49Ser]ADWQPPFAVE

ClinVar aggregate classification (germline): Uncertain significance (1 of 4 stars; one submission).

Submission:

GeneDx
Classification: Uncertain significance. Last evaluated: 2017-10-05. Review status: criteria provided, single submitter. Criteria: GeneDx Variant Classification (06012015). Collection method: clinical testing. Allele origin: germline. Affected: yes.
Comment: The P49S variant in the KDM5C gene has not been reported previously as a pathogenic variant, nor as a benign variant, to our knowledge. The P49S variant is not observed at a significant frequency in large population cohorts (Lek et al., 2016). The P49S variant is a non-conservative amino acid substitution, which is likely to impact secondary protein structure as these residues differ in polarity, charge, size and/or other properties. This substitution occurs at a position that is not conserved. In silico analysis predicts this variant is probably damaging to the protein structure/function. We interpret P49S as a variant of uncertain significance.